The following is an entry in ClinVar:

ClinVar aggregate classification (germline): Benign/Likely benign. Review status: criteria provided, multiple submitters, no conflicts (2 of 4 stars). 2 submissions from 2 submitters: Benign (1); Likely benign (1). Last evaluated 2025-06-01.

Allele frequency attached by ClinVar (database versions not stated): 1000 Genomes Project 30x 0.00312; 1000 Genomes Project 0.00359; TOPMed 0.00520; ESP Exome Variant Server 0.00595; gnomAD exomes 0.00920; ExAC 0.00950; gnomAD 0.01580.
gnomAD v4.1: 13,866 of 1,610,226 alleles (0.86%); highest among the groups gnomAD compares: Non-Finnish European, 0.89%; 122 homozygotes.

Submissions (2):

CeGaT Center for Human Genetics Tuebingen
Classification: Likely benign. Last evaluated: 2025-06-01. Review status: criteria provided, single submitter. Criteria: CeGaT Center For Human Genetics Tuebingen Variant Classification Criteria Version 2. Collection method: clinical testing. Allele origin: germline. Affected: yes. Observed: 1 variant allele.
Comment: NEURL4: BP4, BS2

Labcorp Genetics (formerly Invitae), Labcorp
Classification: Benign. Last evaluated: 2019-12-31. Review status: criteria provided, single submitter. Criteria: Invitae Variant Classification Sherloc (09022015). Collection method: clinical testing. Allele origin: germline.

NM_032442.3(NEURL4):c.219G>A (p.Gly73=)

Gene: NEURL4 (neuralized E3 ubiquitin protein ligase 4; minus strand). Cytogenetic location: 17p13.1.
Variant type: single nucleotide variant.
Coding change: c.219G>A on transcript NM_032442.3 (MANE Select); coding-DNA position 219, G replaced by A.
Protein change: p.Gly73=; no amino-acid change (glycine 73 retained).
Molecular consequence: synonymous variant.
Genome position (GRCh38, 1-based): chr17:7,329,094, C>T on the plus strand (G>A on the coding strand, the complement: NEURL4 is on the minus strand). VCF-style: chr17-7329094-C-T. GRCh37 (hg19) VCF-style: chr17-7232413-C-T.
Other names: c.219G>A, p.Gly73= (NM_001005408.2).
Identifiers: ClinVar variation 783068 (VCV000783068.12), dbSNP rs200247655, ClinGen allele CA8343574.